The following is an entry in ClinVar:

NM_001042492.3(NF1):c.343C>T (p.Pro115Ser)

Gene: NF1 (neurofibromin 1; plus strand). Cytogenetic location: 17q11.2.
Variant type: single nucleotide variant.
Coding change: c.343C>T on transcript NM_001042492.3 (MANE Select); coding-DNA position 343, C replaced by T.
Protein change: p.Pro115Ser; replaces proline 115 with serine.
Molecular consequence: missense variant.
Genome position (GRCh38, 1-based): chr17:31,163,240, C>T. VCF-style: chr17-31163240-C-T. GRCh37 (hg19) VCF-style: chr17-29490258-C-T.
Other names: c.343C>T, p.Pro115Ser (NM_000267.4, NM_001128147.3); short protein forms P115S.
Identifiers: ClinVar variation 3404655 (VCV003404655.2).

ClinVar aggregate classification (germline): Uncertain significance. Review status: criteria provided, multiple submitters, no conflicts (2 of 4 stars). 2 submissions from 2 submitters: Uncertain significance (2). Last evaluated 2025-04-14.

Conditions:
Hereditary cancer-predisposing syndrome. Also called: Hereditary Cancer Syndrome; Tumor predisposition; Hereditary neoplastic syndrome; Neoplastic Syndromes, Hereditary. Identifiers: Orphanet 140162, MedGen C0027672, MeSH D009386, MONDO:0015356.
Cardiovascular phenotype. Identifiers: MedGen CN230736.

Submissions (2):

GeneDx
Classification: Uncertain significance. Last evaluated: 2025-04-14. Review status: criteria provided, single submitter. Criteria: GeneDx Variant Classification Process June 2021. Collection method: clinical testing. Allele origin: germline. Affected: yes.
Comment: Not observed at significant frequency in large population cohorts (gnomAD); In silico analysis supports that this missense variant has a deleterious effect on protein structure/function; Has not been previously published as pathogenic or benign to our knowledge

Ambry Genetics
Classification: Uncertain significance for Cardiovascular phenotype; Hereditary cancer-predisposing syndrome. Last evaluated: 2024-07-03. Review status: criteria provided, single submitter. Criteria: Ambry Variant Classification Scheme 2023. Collection method: clinical testing. Allele origin: germline.
Comment: The p.P115S variant (also known as c.343C>T), located in coding exon 4 of the NF1 gene, results from a C to T substitution at nucleotide position 343. The proline at codon 115 is replaced by serine, an amino acid with similar properties. This amino acid position is conserved. In addition, the in silico prediction for this alteration is inconclusive. Based on the available evidence, the clinical significance of this variant remains unclear.